The following is an entry in ClinVar:

ClinVar aggregate classification (germline): Benign (1 of 4 stars; one submission).

Conditions:
Lynch syndrome 5 (LYNCH5). Also called: Colorectal cancer, hereditary nonpolyposis, type 5; Hereditary non-polyposis colorectal cancer, type 5. Identifiers: Orphanet 144, MedGen C1833477, MONDO:0013710, OMIM 614350. Disease mechanism: loss of function.

gnomAD v4.1: 1 of 1,614,232 alleles (0.000062%); highest among the groups gnomAD compares: Non-Finnish European, 0.000085%; no homozygotes.

Submission:

Myriad Genetics, Inc.
Classification: Benign for Lynch syndrome 5. Last evaluated: 2024-12-20. Review status: criteria provided, single submitter. Criteria: Myriad Autosomal Dominant, Autosomal Recessive and X-Linked Classification Criteria (2023). Collection method: clinical testing. Allele origin: unknown.
Comment: This variant is considered benign. This variant is a silent/synonymous amino acid change and it is not expected to impact splicing.

NM_000179.3(MSH6):c.1020C>T (p.Phe340=)

Gene: MSH6 (mutS homolog 6; plus strand). Cytogenetic location: 2p16.3.
Variant type: single nucleotide variant.
Coding change: c.1020C>T on transcript NM_000179.3 (MANE Select); coding-DNA position 1020, C replaced by T.
Protein change: p.Phe340=; no amino-acid change (phenylalanine 340 retained).
Molecular consequence: synonymous variant. On other transcripts: intron variant (1), non-coding transcript variant (4).
Genome position (GRCh38, 1-based): chr2:47,799,003, C>T. VCF-style: chr2-47799003-C-T. GRCh37 (hg19) VCF-style: chr2-48026142-C-T.
Other names: c.628-1663C>T (NM_001407362.1); c.630C>T, p.Phe210= (NM_001281492.2); c.114C>T, p.Phe38= (NM_001281493.2, NM_001281494.2, NM_001406811.1 and 6 more transcripts); c.1116C>T, p.Phe372= (NM_001406795.1, NM_001406802.1); c.1020C>T, p.Phe340= (NM_001406796.1, NM_001406798.1, NM_001406800.1 and 4 more transcripts); c.723C>T, p.Phe241= (NM_001406797.1, NM_001406801.1, NM_001406805.1 and 10 more transcripts); c.495C>T, p.Phe165= (NM_001406799.1, NM_001406806.1, NM_001406807.1); c.942C>T, p.Phe314= (NM_001406804.1); and 2 more.
Identifiers: ClinVar variation 3903810 (VCV003903810.1).